The following is an entry in ClinVar:

ClinVar aggregate classification (germline): Benign/Likely benign. Review status: criteria provided, multiple submitters, no conflicts (2 of 4 stars). 4 submissions from 4 submitters: Benign (2); Likely benign (1). 1 of the submissions does not count toward it. Last evaluated 2025-04-09.

Conditions:
NRAP-related disorder. Also called: NRAP-related condition.

Allele frequency attached by ClinVar (database versions not stated): gnomAD exomes 0.00096 and 0.00235; ExAC 0.00283; 1000 Genomes Project 0.00699; 1000 Genomes Project 30x 0.00765; gnomAD 0.00898 and 0.00981; TOPMed 0.01025; ESP Exome Variant Server 0.01099.
gnomAD v4.1: 2,820 of 1,613,956 alleles (0.17%); highest among the groups gnomAD compares: African/African-American, 3%; 41 homozygotes.

Submissions (4):

Molecular Diagnostic Laboratory for Inherited Cardiovascular Disease, Montreal Heart Institute
Classification: Likely benign. Last evaluated: 2025-04-09. Review status: criteria provided, single submitter. Criteria: ACMG Guidelines, 2015. Collection method: clinical testing. Allele origin: germline. Affected: no.

Labcorp Genetics (formerly Invitae), Labcorp
Classification: Benign. Last evaluated: 2019-12-31. Review status: criteria provided, single submitter. Criteria: Invitae Variant Classification Sherloc (09022015). Collection method: clinical testing. Allele origin: germline.

Breakthrough Genomics
Classification: Benign. Review status: criteria provided, single submitter. Criteria: ACMG Guidelines, 2015. Collection method: not provided. Allele origin: germline. Inheritance: Unknown mechanism. Affected: yes.

PreventionGenetics, part of Exact Sciences
Classification: Benign for NRAP-related condition. Last evaluated: 2019-02-21. Review status: no assertion criteria provided. Collection method: clinical testing. Allele origin: germline. Not counted in ClinVar's aggregate classification.
Comment: This variant is classified as benign based on ACMG/AMP sequence variant interpretation guidelines (Richards et al. 2015 PMID: 25741868, with internal and published modifications).

NM_198060.4(NRAP):c.3728A>T (p.Asp1243Val)

Gene: NRAP (nebulin related anchoring protein; minus strand). Cytogenetic location: 10q25.3.
Variant type: single nucleotide variant.
Coding change: c.3728A>T on transcript NM_198060.4 (MANE Select); coding-DNA position 3728, A replaced by T.
Protein change: p.Asp1243Val; replaces aspartic acid 1243 with valine.
Molecular consequence: missense variant.
Genome position (GRCh38, 1-based): chr10:113,606,257, T>A on the plus strand (A>T on the coding strand, the complement: NRAP is on the minus strand). VCF-style: chr10-113606257-T-A. GRCh37 (hg19) VCF-style: chr10-115366016-T-A.
Other names: c.3728A>T, p.Asp1243Val (NM_001261463.2); c.3620A>T, p.Asp1207Val (NM_001322945.2); c.3623A>T, p.Asp1208Val (NM_006175.5); c.3728A>T (NM_198060.3); short protein forms D1207V, D1208V, D1243V.
Identifiers: ClinVar variation 778474 (VCV000778474.8), dbSNP rs77072919, ClinGen allele CA5694675.